The following is an entry in ClinVar:

ClinVar aggregate classification (germline): Uncertain significance (1 of 4 stars; one submission).

Conditions:
Inborn genetic diseases. Identifiers: MedGen C0950123, MeSH D030342.

gnomAD v4.1: 2 of 1,613,534 alleles (0.00012%); highest among the groups gnomAD compares: African/African-American, 0.0013%; no homozygotes.

Submission:

Ambry Genetics
Classification: Uncertain significance for Inborn genetic diseases. Last evaluated: 2022-09-16. Review status: criteria provided, single submitter. Criteria: Ambry Variant Classification Scheme 2023. Collection method: clinical testing. Allele origin: germline.
Comment: The p.V1215I variant (also known as c.3643G>A), located in coding exon 19 of the ATR gene, results from a G to A substitution at nucleotide position 3643. The valine at codon 1215 is replaced by isoleucine, an amino acid with highly similar properties. This amino acid position is conserved. In addition, this alteration is predicted to be tolerated by in silico analysis. Since supporting evidence is limited at this time, the clinical significance of this alteration remains unclear.

NM_001184.4(ATR):c.3643G>A (p.Val1215Ile)

Gene: ATR (ATR checkpoint kinase; minus strand). Cytogenetic location: 3q23.
Variant type: single nucleotide variant.
Coding change: c.3643G>A on transcript NM_001184.4 (MANE Select); coding-DNA position 3643, G replaced by A.
Protein change: p.Val1215Ile; replaces valine 1215 with isoleucine.
Molecular consequence: missense variant.
Genome position (GRCh38, 1-based): chr3:142,538,564, C>T on the plus strand (G>A on the coding strand, the complement: ATR is on the minus strand). VCF-style: chr3-142538564-C-T. GRCh37 (hg19) VCF-style: chr3-142257406-C-T.
Other names: c.3451G>A, p.Val1151Ile (NM_001354579.2); short protein forms V1151I, V1215I.
Identifiers: ClinVar variation 1733533 (VCV001733533.2), dbSNP rs1350034295, ClinGen allele CA354807540.